The following is an entry in ClinVar:

ClinVar aggregate classification (germline): Uncertain significance (0 of 4 stars; one submission).

Conditions:
RAI1-related disorder. Also called: RAI1-related condition.

Submission:

PreventionGenetics, part of Exact Sciences
Classification: Uncertain significance for RAI1-related condition. Last evaluated: 2024-05-23. Review status: no assertion criteria provided. Collection method: clinical testing. Allele origin: germline.
Comment: The RAI1 c.4468G>A variant is predicted to result in the amino acid substitution p.Asp1490Asn. To our knowledge, this variant has not been reported in the literature or in a large population database, indicating this variant is rare. At this time, the clinical significance of this variant is uncertain due to the absence of conclusive functional and genetic evidence.

NM_030665.4(RAI1):c.4468G>A (p.Asp1490Asn)

Gene: RAI1 (retinoic acid induced 1; plus strand). Cytogenetic location: 17p11.2.
Variant type: single nucleotide variant.
Coding change: c.4468G>A on transcript NM_030665.4 (MANE Select); coding-DNA position 4468, G replaced by A.
Protein change: p.Asp1490Asn; replaces aspartic acid 1490 with asparagine.
Molecular consequence: missense variant.
Genome position (GRCh38, 1-based): chr17:17,797,416, G>A. VCF-style: chr17-17797416-G-A. GRCh37 (hg19) VCF-style: chr17-17700730-G-A.
Other names: short protein forms D1490N.
Identifiers: ClinVar variation 3346923 (VCV003346923.1).
Genomic context (GRCh38, chr17:17,797,416, plus strand): 5'-GGCCCGGCTCTGCTCCTGACTCCCCGAGACAGGGCCAGTGGCACACAAGGGGCCAGTGAG[G>A]ACAACTCTGGTGGAGGAGGCAAGAAGCCAAAGATGGAGGAGCTGGGCCTGGCCTCCCAGC-3'
Protein context (NP_109590.3, residues 1480-1500): RASGTQGASE[Asp1490Asn]NSGGGGKKPK